The following is an entry in ClinVar:

NM_002890.3(RASA1):c.10G>A (p.Ala4Thr)

Gene: RASA1 (RAS p21 protein activator 1; plus strand). Cytogenetic location: 5q14.3.
Variant type: single nucleotide variant.
Coding change: c.10G>A on transcript NM_002890.3 (MANE Select); coding-DNA position 10, G replaced by A.
Protein change: p.Ala4Thr; replaces alanine 4 with threonine.
Molecular consequence: missense variant.
Genome position (GRCh38, 1-based): chr5:87,268,461, G>A. VCF-style: chr5-87268461-G-A. GRCh37 (hg19) VCF-style: chr5-86564278-G-A.
Other names: short protein forms A4T.
Identifiers: ClinVar variation 4843889 (VCV004843889.1).
Genomic context (GRCh38, chr5:87,268,461, plus strand): 5'-CCCTGGGGCTCCCGGGCGGGCAGGGTAGGGCAGAGTAGAGCGGGCTTCAACATGATGGCG[G>A]CCGAGGCCGGCAGTGAGGAGGGCGGCCCGGTAACAGCCGGAGCTGGAGGAGGCGGCGCGG-3'
Protein context (NP_002881.1, residues 1-14): MMA[Ala4Thr]EAGSEEGGPV

ClinVar aggregate classification (germline): Uncertain significance (1 of 4 stars; one submission).

Conditions:
Cardiovascular phenotype. Identifiers: MedGen CN230736.

Submission:

Ambry Genetics
Classification: Uncertain significance for Cardiovascular phenotype. Last evaluated: 2025-12-30. Review status: criteria provided, single submitter. Criteria: Ambry Variant Classification Scheme 2023. Collection method: clinical testing. Allele origin: germline.
Comment: The p.A4T variant (also known as c.10G>A), located in coding exon 1 of the RASA1 gene, results from a G to A substitution at nucleotide position 10. The alanine at codon 4 is replaced by threonine, an amino acid with similar properties. This amino acid position is conserved. In addition, this alteration is predicted to be tolerated by in silico analysis. Based on the available evidence, the clinical significance of this variant remains unclear.